The following is an entry in ClinVar:

NM_021098.3(CACNA1H):c.1934_1935delinsT (p.Gly645fs)

Gene: CACNA1H (calcium voltage-gated channel subunit alpha1 H; plus strand). Cytogenetic location: 16p13.3.
Variant type: Indel.
Coding change: c.1934_1935delinsT on transcript NM_021098.3 (MANE Select); coding-DNA positions 1934 to 1935, GG replaced by T.
Protein change: p.Gly645fs; shifts the reading frame from glycine 645.
Molecular consequence: frameshift variant.
Genome position (GRCh38, 1-based): chr16:1,202,384-1,202,385, GG replaced by T. VCF-style: chr16-1202384-GG-T. GRCh37 (hg19) VCF-style: chr16-1252384-GG-T.
Other names: c.1934_1935delinsT, p.Gly645fs (NM_001005407.2); short protein forms G645fs.
Identifiers: ClinVar variation 2573653 (VCV002573653.1), dbSNP rs2548647196, ClinGen allele CA2580613356.

ClinVar aggregate classification (germline): Uncertain significance (1 of 4 stars; one submission).

Submission:

GeneDx
Classification: Uncertain significance. Last evaluated: 2023-01-20. Review status: criteria provided, single submitter. Criteria: GeneDx Variant Classification Process June 2021. Collection method: clinical testing. Allele origin: germline. Affected: yes.
Comment: Not observed at significant frequency in large population cohorts (gnomAD); Frameshift variant predicted to result in protein truncation or nonsense mediated decay in a gene for which loss-of-function is not a known mechanism of disease; Has not been previously published as pathogenic or benign to our knowledge